The following is an entry in ClinVar:

ClinVar aggregate classification (germline): Uncertain significance (1 of 4 stars; one submission).

Allele frequency attached by ClinVar (database versions not stated): TOPMed 0.00001.

Submission:

Labcorp Genetics (formerly Invitae), Labcorp
Classification: Uncertain significance. Last evaluated: 2020-12-02. Review status: criteria provided, single submitter. Criteria: Invitae Variant Classification Sherloc (09022015). Collection method: clinical testing. Allele origin: germline.
Comment: In summary, the available evidence is currently insufficient to determine the role of this variant in disease. Therefore, it has been classified as a Variant of Uncertain Significance. Algorithms developed to predict the effect of missense changes on protein structure and function (SIFT, PolyPhen-2, Align-GVGD) all suggest that this variant is likely to be tolerated, but these predictions have not been confirmed by published functional studies and their clinical significance is uncertain. This variant has not been reported in the literature in individuals with MTOR-related conditions. This variant is not present in population databases (ExAC no frequency). This sequence change replaces asparagine with serine at codon 1196 of the MTOR protein (p.Asn1196Ser). The asparagine residue is moderately conserved and there is a small physicochemical difference between asparagine and serine.

NM_004958.4(MTOR):c.3587A>G (p.Asn1196Ser)

Gene: MTOR (mechanistic target of rapamycin kinase; minus strand). Cytogenetic location: 1p36.22.
Variant type: single nucleotide variant.
Coding change: c.3587A>G on transcript NM_004958.4 (MANE Select); coding-DNA position 3587, A replaced by G.
Protein change: p.Asn1196Ser; replaces asparagine 1196 with serine.
Molecular consequence: missense variant.
Genome position (GRCh38, 1-based): chr1:11,210,881, T>C on the plus strand (A>G on the coding strand, the complement: MTOR is on the minus strand). VCF-style: chr1-11210881-T-C. GRCh37 (hg19) VCF-style: chr1-11270938-T-C.
Other names: c.3587A>G, p.Asn1196Ser (NM_001386500.1); c.2339A>G, p.Asn780Ser (NM_001386501.1); short protein forms N780S, N1196S.
Identifiers: ClinVar variation 1367209 (VCV001367209.8), dbSNP rs1263804740, ClinGen allele CA338372318.